The following is an entry in ClinVar:

NM_005462.5(MAGEC1):c.1725G>A (p.Leu575=)

Gene: MAGEC1 (MAGE family member C1; plus strand). Cytogenetic location: Xq27.2.
Variant type: single nucleotide variant.
Coding change: c.1725G>A on transcript NM_005462.5 (MANE Select); coding-DNA position 1725, G replaced by A.
Protein change: p.Leu575=; no amino-acid change (leucine 575 retained).
Molecular consequence: synonymous variant.
Genome position (GRCh38, 1-based): chrX:141,907,129, G>A. VCF-style: chrX-141907129-G-A. GRCh37 (hg19) VCF-style: chrX-140994915-G-A.
Identifiers: ClinVar variation 4872858 (VCV004872858.2).
Genomic context (GRCh38, chrX:141,907,129, plus strand): 5'-GGAGGACTCCCTATCTCCTCACTACTTTCCTCAGAGCCCTCCTCAGGGGGAGGACTCCCT[G>A]TCTCCTCACTACTTTCCTCAGAGCCCTCAGGGGGAGGACTCCCTGTCTCCTCACTACTTT-3'
Protein context (NP_005453.2, residues 565-585): PQSPPQGEDS[Leu575=]SPHYFPQSPQ

ClinVar aggregate classification (germline): Likely benign (1 of 4 stars; one submission).

Submission:

CeGaT Center for Human Genetics Tuebingen
Classification: Likely benign. Last evaluated: 2026-04-01. Review status: criteria provided, single submitter. Criteria: CeGaT Center For Human Genetics Tuebingen Variant Classification Criteria Version 2. Collection method: clinical testing. Allele origin: germline. Affected: yes. Observed: 1 variant allele.
Comment: MAGEC1: BP4, BP7